The following is an entry in ClinVar:

ClinVar aggregate classification (germline): Uncertain significance (1 of 4 stars; one submission).

gnomAD v4.1: 31 of 1,609,014 alleles (0.0019%); highest among the groups gnomAD compares: South Asian, 0.0033%; no homozygotes.

Submission:

Labcorp Genetics (formerly Invitae), Labcorp
Classification: Uncertain significance. Last evaluated: 2021-03-10. Review status: criteria provided, single submitter. Criteria: Invitae Variant Classification Sherloc (09022015). Collection method: clinical testing. Allele origin: germline.
Comment: This sequence change replaces arginine with cysteine at codon 390 of the IMPG2 protein (p.Arg390Cys). The arginine residue is weakly conserved and there is a large physicochemical difference between arginine and cysteine. This variant is not present in population databases (ExAC no frequency). This variant has not been reported in the literature in individuals with IMPG2-related conditions. Algorithms developed to predict the effect of missense changes on protein structure and function are either unavailable or do not agree on the potential impact of this missense change (SIFT: "Tolerated"; PolyPhen-2: "Benign"; Align-GVGD: "Class C25"). In summary, the available evidence is currently insufficient to determine the role of this variant in disease. Therefore, it has been classified as a Variant of Uncertain Significance.

NM_016247.4(IMPG2):c.1168C>T (p.Arg390Cys)

Gene: IMPG2 (interphotoreceptor matrix proteoglycan 2; minus strand). Cytogenetic location: 3q12.3.
Variant type: single nucleotide variant.
Coding change: c.1168C>T on transcript NM_016247.4 (MANE Select); coding-DNA position 1168, C replaced by T.
Protein change: p.Arg390Cys; replaces arginine 390 with cysteine.
Molecular consequence: missense variant.
Genome position (GRCh38, 1-based): chr3:101,253,767, G>A on the plus strand (C>T on the coding strand, the complement: IMPG2 is on the minus strand). VCF-style: chr3-101253767-G-A. GRCh37 (hg19) VCF-style: chr3-100972611-G-A.
Other names: short protein forms R390C.
Identifiers: ClinVar variation 1479602 (VCV001479602.7), dbSNP rs531354781, ClinGen allele CA353864755.